The following is an entry in ClinVar:

NM_024685.4(BBS10):c.1141dup (p.Tyr381fs)

Gene: BBS10 (Bardet-Biedl syndrome 10; minus strand). Cytogenetic location: 12q21.2.
Variant type: Duplication.
Coding change: c.1141dup on transcript NM_024685.4 (MANE Select); coding-DNA position 1141, one base duplicated (T; older notation c.1141dupT).
Protein change: p.Tyr381fs; shifts the reading frame from tyrosine 381.
Molecular consequence: frameshift variant.
Genome position (GRCh38, 1-based): chr12:76,346,844, A duplicated on the plus strand (T on the coding strand, the reverse complement: BBS10 is on the minus strand). VCF-style (leftmost placement, unchanged base first): chr12-76346843-T-TA. GRCh37 (hg19) VCF-style: chr12-76740623-T-TA.
Other names: short protein forms Y381fs.
Identifiers: ClinVar variation 3651809 (VCV003651809.2).

ClinVar aggregate classification (germline): Pathogenic (1 of 4 stars; one submission).

Conditions:
Bardet-Biedl syndrome (BBS). Identifiers: Orphanet 110, MedGen C0752166, MONDO:0015229.

Submission:

Labcorp Genetics (formerly Invitae), Labcorp
Classification: Pathogenic for Bardet-Biedl syndrome. Last evaluated: 2024-05-01. Review status: criteria provided, single submitter. Criteria: Invitae Variant Classification Sherloc (09022015). Collection method: clinical testing. Allele origin: germline.
Comment: This sequence change creates a premature translational stop signal (p.Tyr381Leufs*28) in the BBS10 gene. While this is not anticipated to result in nonsense mediated decay, it is expected to disrupt the last 343 amino acid(s) of the BBS10 protein. This variant is not present in population databases (gnomAD no frequency). This variant has not been reported in the literature in individuals affected with BBS10-related conditions. This variant disrupts a region of the BBS10 protein in which other variant(s) (p.Arg709*) have been determined to be pathogenic (PMID: 29666954). This suggests that this is a clinically significant region of the protein, and that variants that disrupt it are likely to be disease-causing. For these reasons, this variant has been classified as Pathogenic.

Literature cited by the submitters: PubMed 29666954.